The following is an entry in ClinVar:

NM_001005273.3(CHD3):c.5377C>T (p.Leu1793=)

Gene: CHD3 (chromodomain helicase DNA binding protein 3; plus strand). Cytogenetic location: 17p13.1.
Variant type: single nucleotide variant.
Coding change: c.5377C>T on transcript NM_001005273.3 (MANE Select); coding-DNA position 5377, C replaced by T.
Protein change: p.Leu1793=; no amino-acid change (leucine 1793 retained).
Molecular consequence: synonymous variant.
Genome position (GRCh38, 1-based): chr17:7,908,812, C>T. VCF-style: chr17-7908812-C-T. GRCh37 (hg19) VCF-style: chr17-7812130-C-T.
Other names: c.5554C>T, p.Leu1852= (NM_001005271.3); c.5275C>T, p.Leu1759= (NM_005852.4).
Identifiers: ClinVar variation 2647434 (VCV002647434.24), dbSNP rs751901666, ClinGen allele CA8363643.

ClinVar aggregate classification (germline): Likely benign (1 of 4 stars; one submission).

Allele frequency attached by ClinVar (database versions not stated): gnomAD exomes below 0.00001; ExAC 0.00001.
gnomAD v4.1: 4 of 1,614,146 alleles (0.00025%); highest among the groups gnomAD compares: South Asian, 0.0011%; no homozygotes.

Submission:

CeGaT Center for Human Genetics Tuebingen
Classification: Likely benign. Last evaluated: 2022-04-01. Review status: criteria provided, single submitter. Criteria: CeGaT Center For Human Genetics Tuebingen Variant Classification Criteria Version 2. Collection method: clinical testing. Allele origin: germline. Affected: yes. Observed: 1 variant allele.
Comment: CHD3: BP4, BP7